The following is an entry in ClinVar:

ClinVar aggregate classification (germline): Likely benign. Review status: criteria provided, multiple submitters, no conflicts (2 of 4 stars). 5 submissions from 5 submitters: Likely benign (4). 1 of the submissions does not count toward it. Last evaluated 2026-02-17.

Conditions:
SETBP1-related disorder. Also called: SETBP1-related condition; SETBP1-related disorders.
Inborn genetic diseases. Identifiers: MedGen C0950123, MeSH D030342.

Allele frequency attached by ClinVar (database versions not stated): gnomAD 0.00003; TOPMed 0.00003; ExAC 0.00004; gnomAD exomes 0.00004.
gnomAD v4.1: 68 of 1,613,844 alleles (0.0042%); highest among the groups gnomAD compares: Middle Eastern, 0.016%; no homozygotes.

Submissions (5):

Ambry Genetics
Classification: Likely benign for Inborn genetic diseases. Last evaluated: 2026-02-17. Review status: criteria provided, single submitter. Criteria: Ambry Variant Classification Scheme 2023. Collection method: clinical testing. Allele origin: germline.

Labcorp Genetics (formerly Invitae), Labcorp
Classification: Likely benign. Last evaluated: 2025-05-27. Review status: criteria provided, single submitter. Criteria: Invitae Variant Classification Sherloc (09022015). Collection method: clinical testing. Allele origin: germline.

Blueprint Genetics
Classification: Likely benign. Last evaluated: 2022-10-24. Review status: criteria provided, single submitter. Criteria: ACMG Guidelines, 2015. Collection method: clinical testing. Allele origin: germline.

GeneDx
Classification: Likely benign. Last evaluated: 2021-06-07. Review status: criteria provided, single submitter. Criteria: GeneDx Variant Classification Process June 2021. Collection method: clinical testing. Allele origin: germline. Affected: yes.

PreventionGenetics, part of Exact Sciences
Classification: Likely benign for SETBP1-related condition. Last evaluated: 2021-08-23. Review status: no assertion criteria provided. Collection method: clinical testing. Allele origin: germline. Not counted in ClinVar's aggregate classification.
Comment: This variant is classified as likely benign based on ACMG/AMP sequence variant interpretation guidelines (Richards et al. 2015 PMID: 25741868, with internal and published modifications).

NM_015559.3(SETBP1):c.3882C>T (p.Asp1294=)

Gene: SETBP1 (SET binding protein 1; plus strand). Cytogenetic location: 18q12.3.
Variant type: single nucleotide variant.
Coding change: c.3882C>T on transcript NM_015559.3 (MANE Select); coding-DNA position 3882, C replaced by T.
Protein change: p.Asp1294=; no amino-acid change (aspartic acid 1294 retained).
Molecular consequence: synonymous variant.
Genome position (GRCh38, 1-based): chr18:44,953,222, C>T. VCF-style: chr18-44953222-C-T. GRCh37 (hg19) VCF-style: chr18-42533187-C-T.
Other names: c.3882C>T, p.Asp1294= (NM_001379141.1, NM_001379142.1).
Identifiers: ClinVar variation 1212405 (VCV001212405.16), dbSNP rs762673953, ClinGen allele CA8946010.
Genomic context (GRCh38, chr18:44,953,222, plus strand): 5'-ATCAGAGAACCTGGACGTGTTCAGTGAAATGAACCCTTCGAATGACAAGTGGGACAGTGA[C>T]GTGAGTGGGAGTAAAAGGAGGAGCTATGAAGGCTTTGGAACGTACAGGGAAAAGGACATC-3'
Protein context (NP_056374.2, residues 1284-1304): MNPSNDKWDS[Asp1294=]VSGSKRRSYE